The following is an entry in ClinVar:

NM_001267550.2(TTN):c.46603C>T (p.Arg15535Ter)

Genes: TTN (titin; minus strand), TTN-AS1 (TTN antisense RNA 1; plus strand). Cytogenetic location: 2q31.2.
Variant type: single nucleotide variant.
Coding change: c.46603C>T on transcript NM_001267550.2 (MANE Select); coding-DNA position 46603, C replaced by T.
Protein change: p.Arg15535Ter; replaces arginine 15535 with a stop codon.
Molecular consequence: nonsense.
Genome position (GRCh38, 1-based): chr2:178,619,714, G>A on the plus strand (C>T on the coding strand, the complement: TTN is on the minus strand). VCF-style: chr2-178619714-G-A. GRCh37 (hg19) VCF-style: chr2-179484441-G-A.
Other names: c.41680C>T, p.Arg13894Ter (NM_001256850.1); c.19408C>T, p.Arg6470Ter (NM_003319.4); c.38899C>T, p.Arg12967Ter (NM_133378.4); c.19783C>T, p.Arg6595Ter (NM_133432.3); c.19984C>T, p.Arg6662Ter (NM_133437.4); c.46603C>T (NM_001267550.1); short protein forms R12967*, R13894*, R15535*, R6470*, R6595*, R6662*.
Identifiers: ClinVar variation 1061173 (VCV001061173.35), dbSNP rs764654357, ClinGen allele CA349623238.

ClinVar aggregate classification (germline): Pathogenic/Likely pathogenic. Review status: criteria provided, multiple submitters, no conflicts (2 of 4 stars). 5 submissions from 5 submitters: Pathogenic (1); Likely pathogenic (4). Last evaluated 2025-11-25.

Conditions:
Dilated cardiomyopathy 1G (CMD1G). Identifiers: Orphanet 154, MedGen C1858763, MONDO:0011400, OMIM 604145.
Tibial muscular dystrophy (TMD). Also called: Tibial muscular dystrophy, tardive; UDD MYOPATHY; Udd Distal Myopathy – Tibial Muscular Dystrophy. Identifiers: Orphanet 609, MedGen C1838244, MONDO:0010870, OMIM 600334.
Hypertrophic cardiomyopathy 9. Also called: Familial hypertrophic cardiomyopathy 9. Identifiers: MedGen C1861065, MONDO:0013412, OMIM 613765.
Autosomal recessive limb-girdle muscular dystrophy type 2J (LGMDR10). Also called: Limb-girdle muscular dystrophy, type 2J; MUSCULAR DYSTROPHY, LIMB-GIRDLE, AUTOSOMAL RECESSIVE 10. Identifiers: Orphanet 140922, MedGen C1837342, MONDO:0012127, OMIM 608807.
Myopathy, myofibrillar, 9, with early respiratory failure (MFM9). Also called: Hereditary myopathy with early respiratory failure; Myopathy, distal, with early respiratory failure, autosomal dominant; EDSTROM MYOPATHY; MYOPATHY, PROXIMAL, WITH EARLY RESPIRATORY MUSCLE INVOLVEMENT. Identifiers: Orphanet 178464, Orphanet 34521, MedGen C1863599, MONDO:0011362, OMIM 603689.
Early-onset myopathy with fatal cardiomyopathy (CMYO5). Also called: Salih Myopathy; CONGENITAL MYOPATHY 5 WITH CARDIOMYOPATHY. Identifiers: Orphanet 289377, MedGen C2673677, MONDO:0012714, OMIM 611705. Disease mechanism: loss of function.
Cardiovascular phenotype. Identifiers: MedGen CN230736.
Primary dilated cardiomyopathy (DCM). Also called: Dilated Cardiomyopathy. Identifiers: Orphanet 217604, MedGen C0007193, MeSH D002311, MONDO:0005021, HP:0001644. Inheritance: Various modes of inheritance.

gnomAD v4.1: 2 of 1,612,278 alleles (0.00012%); highest among the groups gnomAD compares: Non-Finnish European, 0.00017%; no homozygotes.

Submissions (5):

Labcorp Genetics (formerly Invitae), Labcorp
Classification: Pathogenic for Dilated cardiomyopathy 1G; Autosomal recessive limb-girdle muscular dystrophy type 2J. Last evaluated: 2025-11-25. Review status: criteria provided, single submitter. Criteria: Invitae Variant Classification Sherloc (09022015). Collection method: clinical testing. Allele origin: germline.
Comment: This sequence change creates a premature translational stop signal (p.Arg15535*) in the TTN gene. While this is not anticipated to result in nonsense mediated decay, it is expected to create a truncated TTN protein. This variant is not present in population databases (gnomAD no frequency). This premature translational stop signal has been observed in individuals with dilated cardiomyopathy (internal data). ClinVar contains an entry for this variant (Variation ID: 1061173). This variant is located in the I band of TTN (PMID: 25589632). Truncating variants in this region have been reported in individuals affected with autosomal recessive centronuclear myopathy (PMID: 23975875, internal data). Truncating variants in this region have also been identified in individuals affected with autosomal dominant dilated cardiomyopathy and/or cardio-related conditions (PMID: 27869827, 32964742, internal data). For these reasons, this variant has been classified as Pathogenic.

GeneDx
Classification: Likely pathogenic. Last evaluated: 2025-07-23. Review status: criteria provided, single submitter. Criteria: GeneDx Variant Classification Process June 2021. Collection method: clinical testing. Allele origin: germline. Affected: yes.
Comment: Nonsense variant predicted to result in protein truncation or nonsense mediated decay in a gene for which loss of function is a known mechanism of disease; Not observed at significant frequency in large population cohorts (gnomAD); Located in a specific region of the I-band within TTN for which truncating variants are significantly associated with autosomal dominant cardiomyopathy and also with autosomal recessive skeletal myopathies (PMID: 27625338, 27869827, 32778822); Has not been previously published in association with a TTN-related disorder to our knowledge; This variant is associated with the following publications: (PMID: 27625338, 27869827, 32778822, 35177841)

Ambry Genetics
Classification: Likely pathogenic for Cardiovascular phenotype. Last evaluated: 2023-12-06. Review status: criteria provided, single submitter. Criteria: Ambry Variant Classification Scheme 2023. Collection method: clinical testing. Allele origin: germline.
Comment: The p.R6470* variant (also known as c.19408C>T), located in coding exon 77 of the TTN gene, results from a C to T substitution at nucleotide position 19408. This changes the amino acid from an arginine to a stop codon within coding exon 77. This exon is located in the I-band region of the N2-B isoform of the titin protein and is constitutively expressed in TTN transcripts (percent spliced in or PSI 100%). This variant is considered to be rare based on population cohorts in the Genome Aggregation Database (gnomAD). This alteration is expected to result in loss of function by premature protein truncation or nonsense-mediated mRNA decay. While truncating variants in TTN are present in 1-3% of the general population, truncating variants in the A-band are the most common cause of dilated cardiomyopathy (DCM) (Herman DS et al. N. Engl. J. Med., 2012 Feb;366:619-28; Roberts AM et al. Sci Transl Med, 2015 Jan;7:270ra6). TTN truncating variants encoded in constitutive exons (PSI >90%) have been found to be significantly associated with DCM regardless of their position in titin (Schafer S et al. Nat. Genet., 2017 01;49:46-53). Based on the majority of available evidence to date, this variant is likely to be pathogenic.

Center for Human Genetics, University of Leuven
Classification: Likely pathogenic for Primary dilated cardiomyopathy. Last evaluated: 2022-12-31. Review status: criteria provided, single submitter. Criteria: ACMG Guidelines, 2015. Collection method: clinical testing. Allele origin: germline. Affected: yes.

Juno Genomics, Hangzhou Juno Genomics, Inc
Classification: Likely pathogenic for Early-onset myopathy with fatal cardiomyopathy; Dilated cardiomyopathy 1G; Hypertrophic cardiomyopathy 9; Autosomal recessive limb-girdle muscular dystrophy type 2J; Myopathy, myofibrillar, 9, with early respiratory failure; Tibial muscular dystrophy. Review status: criteria provided, single submitter. Criteria: ACMG Guidelines, 2015. Collection method: clinical testing. Allele origin: germline.
Comment: Null variant in a gene where loss of function (LOF) is a known mechanism of disease.;Absent from controls (or at extremely low frequency if recessive) in Genome Aggregation Database.

Literature cited by the submitters: PubMed 25589632 (cited by Labcorp Genetics (formerly Invitae), Labcorp); PubMed 23975875 (cited by Labcorp Genetics (formerly Invitae), Labcorp); PubMed 27869827 (cited by Labcorp Genetics (formerly Invitae), Labcorp); PubMed 32964742 (cited by Labcorp Genetics (formerly Invitae), Labcorp).